The following is an entry in ClinVar:

ClinVar aggregate classification (germline): Likely benign. Review status: criteria provided, multiple submitters, no conflicts (2 of 4 stars). 3 submissions from 3 submitters: Likely benign (3). Last evaluated 2023-05-30.

Conditions:
Dilated cardiomyopathy 1W (CMD1W). Identifiers: Orphanet 154, MedGen C1969639, MONDO:0012667, OMIM 611407.
Cardiovascular phenotype. Identifiers: MedGen CN230736.

Submissions (3):

Labcorp Genetics (formerly Invitae), Labcorp
Classification: Likely benign for Dilated cardiomyopathy 1W. Last evaluated: 2023-05-30. Review status: criteria provided, single submitter. Criteria: Invitae Variant Classification Sherloc (09022015). Collection method: clinical testing. Allele origin: germline.

Ambry Genetics
Classification: Likely benign for Cardiovascular phenotype. Last evaluated: 2022-09-13. Review status: criteria provided, single submitter. Criteria: Ambry Variant Classification Scheme 2023. Collection method: clinical testing. Allele origin: germline.

GeneDx
Classification: Likely benign. Last evaluated: 2016-06-07. Review status: criteria provided, single submitter. Criteria: GeneDx Variant Classification (06012015). Collection method: clinical testing. Allele origin: germline. Affected: yes.
Comment: This variant is considered likely benign or benign based on one or more of the following criteria: it is a conservative change, it occurs at a poorly conserved position in the protein, it is predicted to be benign by multiple in silico algorithms, and/or has population frequency not consistent with disease.

NM_014000.3(VCL):c.2256G>C (p.Gly752=)

Gene: VCL (vinculin; plus strand). Cytogenetic location: 10q22.2.
Variant type: single nucleotide variant.
Coding change: c.2256G>C on transcript NM_014000.3 (MANE Select); coding-DNA position 2256, G replaced by C.
Protein change: p.Gly752=; no amino-acid change (glycine 752 retained).
Molecular consequence: synonymous variant.
Genome position (GRCh38, 1-based): chr10:74,105,175, G>C. VCF-style: chr10-74105175-G-C. GRCh37 (hg19) VCF-style: chr10-75864933-G-C.
Other names: c.2256G>C, p.Gly752= (NM_003373.4).
Identifiers: ClinVar variation 386830 (VCV000386830.6), dbSNP rs1057522615, ClinGen allele CA16605689.
Genomic context (GRCh38, chr10:74,105,175, plus strand): 5'-AGACCTGGACAAGTGCAAGGTAGCTATGGCCAACATTCAGCCTCAGATGCTGGTTGCTGG[G>C]GCAACCAGTATTGCTCGTCGGGCCAACCGGATCCTGCTGGTGGCTAAGAGGGAGGTGGAG-3'
Protein context (NP_054706.1, residues 742-762): ANIQPQMLVA[Gly752=]ATSIARRANR